The following is an entry in ClinVar:

NM_006904.7(PRKDC):c.11C>G (p.Ser4Cys)

Genes: PRKDC (protein kinase, DNA-activated, catalytic subunit; minus strand), LOC129929030 (ATAC-STARR-seq lymphoblastoid silent region 19177; plus strand). Cytogenetic location: 8q11.21.
Variant type: single nucleotide variant.
Coding change: c.11C>G on transcript NM_006904.7 (MANE Select); coding-DNA position 11, C replaced by G.
Protein change: p.Ser4Cys; replaces serine 4 with cysteine.
Molecular consequence: missense variant.
Genome position (GRCh38, 1-based): chr8:47,960,116, G>C on the plus strand (C>G on the coding strand, the complement: PRKDC is on the minus strand). VCF-style: chr8-47960116-G-C. GRCh37 (hg19) VCF-style: chr8-48872676-G-C.
Other names: c.11C>G, p.Ser4Cys (NM_001081640.2); short protein forms S4C.
Identifiers: ClinVar variation 2453350 (VCV002453350.2), dbSNP rs1406641105, ClinGen allele CA371143135.

ClinVar aggregate classification (germline): Uncertain significance (1 of 4 stars; one submission).

Allele frequency attached by ClinVar (database versions not stated): TOPMed 0.00001; gnomAD 0.00002.
gnomAD v4.1: 18 of 1,502,770 alleles (0.0012%); highest among the groups gnomAD compares: South Asian, 0.0025%; 1 homozygote.

Submission:

Ambry Genetics
Classification: Uncertain significance. Last evaluated: 2023-03-02. Review status: criteria provided, single submitter. Criteria: Ambry Variant Classification Scheme 2023. Collection method: clinical testing. Allele origin: germline.
Comment: The p.S4C variant (also known as c.11C>G), located in coding exon 1 of the PRKDC gene, results from a C to G substitution at nucleotide position 11. The serine at codon 4 is replaced by cysteine, an amino acid with dissimilar properties. This amino acid position is conserved. In addition, this alteration is predicted to be tolerated by in silico analysis. Since supporting evidence is limited at this time, the clinical significance of this alteration remains unclear.